The following is an entry in ClinVar:

ClinVar aggregate classification (germline): Uncertain significance. Review status: criteria provided, multiple submitters, no conflicts (2 of 4 stars). 2 submissions from 2 submitters: Uncertain significance (2). Last evaluated 2025-08-05.

Conditions:
Charcot-Marie-Tooth disease type 2. Also called: Charcot-Marie-Tooth type 2. Identifiers: Orphanet 64746, MedGen C0270914, MONDO:0018993.
Inborn genetic diseases. Identifiers: MedGen C0950123, MeSH D030342.

Allele frequency attached by ClinVar (database versions not stated): gnomAD 0.00001; TOPMed 0.00001.
gnomAD v4.1: 23 of 1,614,074 alleles (0.0014%); highest among the groups gnomAD compares: Non-Finnish European, 0.0019%; no homozygotes.

Submissions (2):

Ambry Genetics
Classification: Uncertain significance for Inborn genetic diseases. Last evaluated: 2025-08-05. Review status: criteria provided, single submitter. Criteria: Ambry Variant Classification Scheme 2023. Collection method: clinical testing. Allele origin: germline.

Labcorp Genetics (formerly Invitae), Labcorp
Classification: Uncertain significance for Charcot-Marie-Tooth disease type 2. Last evaluated: 2024-10-24. Review status: criteria provided, single submitter. Criteria: Invitae Variant Classification Sherloc (09022015). Collection method: clinical testing. Allele origin: germline.
Comment: This sequence change replaces histidine, which is basic and polar, with asparagine, which is neutral and polar, at codon 38 of the MED25 protein (p.His38Asn). This variant is present in population databases (no rsID available, gnomAD 0.004%). This variant has not been reported in the literature in individuals affected with MED25-related conditions. ClinVar contains an entry for this variant (Variation ID: 970836). An algorithm developed to predict the effect of missense changes on protein structure and function (PolyPhen-2) suggests that this variant is likely to be disruptive. In summary, the available evidence is currently insufficient to determine the role of this variant in disease. Therefore, it has been classified as a Variant of Uncertain Significance.

NM_030973.4(MED25):c.112C>A (p.His38Asn)

Gene: MED25 (mediator complex subunit 25; plus strand). Cytogenetic location: 19q13.33.
Variant type: single nucleotide variant.
Coding change: c.112C>A on transcript NM_030973.4 (MANE Select); coding-DNA position 112, C replaced by A.
Protein change: p.His38Asn; replaces histidine 38 with asparagine.
Molecular consequence: missense variant.
Genome position (GRCh38, 1-based): chr19:49,818,453, C>A. VCF-style: chr19-49818453-C-A. GRCh37 (hg19) VCF-style: chr19-50321710-C-A.
Other names: c.112C>A, p.His38Asn (NM_001378355.1); short protein forms H38N.
Identifiers: ClinVar variation 970836 (VCV000970836.9), dbSNP rs1191519479, ClinGen allele CA406908679.